The following is an entry in ClinVar:

ClinVar aggregate classification (germline): Likely benign. Review status: criteria provided, multiple submitters, no conflicts (2 of 4 stars). 2 submissions from 2 submitters: Likely benign (2). Last evaluated 2026-08-01.

gnomAD v4.1: 10,509 of 1,554,334 alleles (0.68%); highest among the groups gnomAD compares: Non-Finnish European, 0.8%; 56 homozygotes.

Submissions (2):

CeGaT Center for Human Genetics Tuebingen
Classification: Likely benign. Last evaluated: 2026-08-01. Review status: criteria provided, single submitter. Criteria: CeGaT Center For Human Genetics Tuebingen Variant Classification Criteria Version 2. Collection method: clinical testing. Allele origin: germline. Affected: yes. Observed: 23 variant alleles.
Comment: VAMP2: PP3, BS2

Blueprint Genetics
Classification: Likely benign. Last evaluated: 2024-11-26. Review status: criteria provided, single submitter. Criteria: ACMG Guidelines, 2015. Collection method: clinical testing. Allele origin: germline.

NM_014232.3(VAMP2):c.3-101G>T

Gene: VAMP2 (vesicle associated membrane protein 2; minus strand). Cytogenetic location: 17p13.1.
Variant type: single nucleotide variant.
Coding change: c.3-101G>T on transcript NM_014232.3 (MANE Select); 101 bases into the intron before coding-DNA position 3, G replaced by T.
Molecular consequence: intron variant. On other transcripts: 5 prime UTR variant (1).
Genome position (GRCh38, 1-based): chr17:8,162,470, C>A on the plus strand (G>T on the coding strand, the complement: VAMP2 is on the minus strand). VCF-style: chr17-8162470-C-A. GRCh37 (hg19) VCF-style: chr17-8065788-C-A.
Other names: c.-19G>T (NM_001330125.1).
Identifiers: ClinVar variation 3341572 (VCV003341572.17).